The following is an entry in ClinVar:

ClinVar aggregate classification (germline): Benign/Likely benign. Review status: criteria provided, multiple submitters, no conflicts (2 of 4 stars). 11 submissions from 10 submitters: Benign (6); Likely benign (3). 2 of the submissions do not count toward it. Last evaluated 2026-01-30.

Conditions:
Liddle syndrome 2. Identifiers: MedGen C4748251, MONDO:0020854, OMIM 618114.
Pseudohypoaldosteronism, type IB1, autosomal recessive. Also called: Pseudohypoaldosteronism, Type I, Autosomal Recessive; Pseudohypoaldosteronism, Type I, Recessive; PHA I, AUTOSOMAL RECESSIVE; Autosomal recessive pseudohypoaldosteronism type 1. Identifiers: Orphanet 171876, Orphanet 756, MedGen C5774176, MONDO:0009917, OMIM 264350.

Allele frequency attached by ClinVar (database versions not stated): 1000 Genomes Project 30x 0.00828; 1000 Genomes Project 0.00899; TOPMed 0.01615; ESP Exome Variant Server 0.01732; gnomAD 0.01751 and 0.01794; ExAC 0.01917; gnomAD exomes 0.01923 and 0.02169.
gnomAD v4.1: 34,288 of 1,613,838 alleles (2.1%); highest among the groups gnomAD compares: Middle Eastern, 4%; 487 homozygotes.

Submissions (11):

Labcorp Genetics (formerly Invitae), Labcorp
Classification: Benign. Last evaluated: 2026-01-30. Review status: criteria provided, single submitter. Criteria: Invitae Variant Classification Sherloc (09022015). Collection method: clinical testing. Allele origin: germline.

Blueprint Genetics
Classification: Likely benign. Last evaluated: 2024-11-27. Review status: criteria provided, single submitter. Criteria: ACMG Guidelines, 2015. Collection method: clinical testing. Allele origin: germline.

Mayo Clinic Laboratories, Mayo Clinic
Classification: Benign. Last evaluated: 2022-11-14. Review status: criteria provided, single submitter. Criteria: ACMG Guidelines, 2015. Collection method: clinical testing. Allele origin: germline. Observed: 8 variant alleles.
Comment: BS1, BS2, BP4, BP7

GeneDx
Classification: Likely benign. Last evaluated: 2020-05-16. Review status: criteria provided, single submitter. Criteria: GeneDx Variant Classification Process June 2021. Collection method: clinical testing. Allele origin: germline. Affected: yes.

Athena Diagnostics
Classification: Benign. Last evaluated: 2018-01-16. Review status: criteria provided, single submitter. Criteria: Athena Diagnostics Criteria. Collection method: clinical testing. Allele origin: germline.

Illumina Laboratory Services, Illumina
Classification: Benign for Pseudohypoaldosteronism, type IB1, autosomal recessive. Last evaluated: 2018-01-13. Review status: criteria provided, single submitter. Criteria: ICSL Variant Classification Criteria 13 December 2019. Collection method: clinical testing. Allele origin: germline.
Comment: This variant was observed in the ICSL laboratory as part of a predisposition screen in an ostensibly healthy population. It had not been previously curated by ICSL or reported in the Human Gene Mutation Database (HGMD: prior to June 1st, 2018), and was therefore a candidate for classification through an automated scoring system. Utilizing variant allele frequency, disease prevalence and penetrance estimates, and inheritance mode, an automated score was calculated to assess if this variant is too frequent to cause the disease. Based on the score and internal cut-off values, a variant classified as benign is not then subjected to further curation. The score for this variant resulted in a classification of benign for this disease.

Illumina Laboratory Services, Illumina
Classification: Benign for Liddle syndrome 2. Last evaluated: 2018-01-13. Review status: criteria provided, single submitter. Criteria: ICSL Variant Classification Criteria 13 December 2019. Collection method: clinical testing. Allele origin: germline.
Comment: the same text as in the submission from Illumina Laboratory Services, Illumina above.

Laboratory for Molecular Medicine, Mass General Brigham Personalized Medicine
Classification: Benign. Last evaluated: 2013-02-21. Review status: criteria provided, single submitter. Criteria: LMM Criteria. Collection method: clinical testing. Allele origin: germline. Observed: 4 variant alleles.
Comment: Ser212Ser in exon 4 of SCNN1G: This variant is not expected to have clinical sig nificance because it does not alter an amino acid residue and is not located wit hin the splice consensus sequence. It has been identified in 2.4% (207/8600) of European American chromosomes from a broad population by the NHLBI Exome Sequenc ing Project (dbSNP rs5739).

Breakthrough Genomics
Classification: Likely benign. Review status: criteria provided, single submitter. Criteria: ACMG Guidelines, 2015. Collection method: not provided. Allele origin: germline. Inheritance: Autosomal dominant inheritance. Affected: yes.

Genome Diagnostics Laboratory, University Medical Center Utrecht
Classification: Benign. Review status: no assertion criteria provided. Collection method: clinical testing. Allele origin: germline. Affected: yes. Study: VKGL Data-share Consensus. Not counted in ClinVar's aggregate classification.

Joint Genome Diagnostic Labs from Nijmegen and Maastricht, Radboudumc and MUMC+
Classification: Benign. Review status: no assertion criteria provided. Collection method: clinical testing. Allele origin: germline. Affected: yes. Study: VKGL Data-share Consensus. Not counted in ClinVar's aggregate classification.

NM_001039.4(SCNN1G):c.636C>T (p.Ser212=)

Gene: SCNN1G (sodium channel epithelial 1 subunit gamma; plus strand). Cytogenetic location: 16p12.2.
Variant type: single nucleotide variant.
Coding change: c.636C>T on transcript NM_001039.4 (MANE Select); coding-DNA position 636, C replaced by T.
Protein change: p.Ser212=; no amino-acid change (serine 212 retained).
Molecular consequence: synonymous variant.
Genome position (GRCh38, 1-based): chr16:23,192,369, C>T. VCF-style: chr16-23192369-C-T. GRCh37 (hg19) VCF-style: chr16-23203690-C-T.
Other names: p.Ser212=.
Identifiers: ClinVar variation 178805 (VCV000178805.21), dbSNP rs5739, ClinGen allele CA183070.